The following is an entry in ClinVar:

ClinVar aggregate classification (germline): Uncertain significance. Review status: criteria provided, multiple submitters, no conflicts (2 of 4 stars). 2 submissions from 2 submitters: Uncertain significance (2). Last evaluated 2023-12-15.

Conditions:
Cardiovascular phenotype. Identifiers: MedGen CN230736.
Long QT syndrome (LQTS). Identifiers: MedGen C0023976, MeSH D008133, MONDO:0002442. Disease mechanism: loss of function. Inheritance: Various modes of inheritance.

Submissions (2):

Ambry Genetics
Classification: Uncertain significance for Cardiovascular phenotype. Last evaluated: 2023-12-15. Review status: criteria provided, single submitter. Criteria: Ambry Variant Classification Scheme 2023. Collection method: clinical testing. Allele origin: germline.
Comment: The p.E1630D variant (also known as c.4890G>T), located in coding exon 38 of the ANK2 gene, results from a G to T substitution at nucleotide position 4890. The glutamic acid at codon 1630 is replaced by aspartic acid, an amino acid with highly similar properties. This amino acid position is conserved. In addition, this alteration is predicted to be tolerated by in silico analysis. Since supporting evidence is limited at this time, the clinical significance of this alteration remains unclear.

Labcorp Genetics (formerly Invitae), Labcorp
Classification: Uncertain significance for Long QT syndrome. Last evaluated: 2018-10-22. Review status: criteria provided, single submitter. Criteria: Invitae Variant Classification Sherloc (09022015). Collection method: clinical testing. Allele origin: germline.
Comment: This sequence change replaces glutamic acid with aspartic acid at codon 1630 of the ANK2 protein (p.Glu1630Asp). The glutamic acid residue is weakly conserved and there is a small physicochemical difference between glutamic acid and aspartic acid. This variant is not present in population databases (ExAC no frequency). In summary, the available evidence is currently insufficient to determine the role of this variant in disease. Therefore, it has been classified as a Variant of Uncertain Significance. Algorithms developed to predict the effect of missense changes on protein structure and function (SIFT, PolyPhen-2, Align-GVGD) all suggest that this variant is likely to be tolerated, but these predictions have not been confirmed by published functional studies and their clinical significance is uncertain. This variant has not been reported in the literature in individuals with ANK2-related disease.

NM_001148.6(ANK2):c.4890G>T (p.Glu1630Asp)

Gene: ANK2 (ankyrin 2; plus strand). Cytogenetic location: 4q26.
Variant type: single nucleotide variant.
Coding change: c.4890G>T on transcript NM_001148.6 (MANE Select); coding-DNA position 4890, G replaced by T.
Protein change: p.Glu1630Asp; replaces glutamic acid 1630 with aspartic acid.
Molecular consequence: missense variant. On other transcripts: intron variant (68).
Genome position (GRCh38, 1-based): chr4:113,353,508, G>T. VCF-style: chr4-113353508-G-T. GRCh37 (hg19) VCF-style: chr4-114274664-G-T.
Other names: c.4656G>T, p.Glu1552Asp (NM_001386142.1); c.1290G>T, p.Glu430Asp (NM_001386166.1); c.5031G>T, p.Glu1677Asp (NM_001386174.1); c.5007G>T, p.Glu1669Asp (NM_001386175.1); c.4192+3259G>T (NM_001386154.1, NM_001354274.2); c.4411+3259G>T (NM_001386186.2, NM_001386148.2); c.4141+3259G>T (NM_001386151.1, NM_001354260.2, NM_001354271.2); c.4213+3259G>T (NM_001354269.3); and 35 more; short protein forms E1630D, E1552D, E1669D, E1677D, E430D.
Identifiers: ClinVar variation 665370 (VCV000665370.8), dbSNP rs1588896415, ClinGen allele CA357917086.